The following is an entry in ClinVar:

NM_001042545.2(LTBP4):c.4472G>A (p.Arg1491His)

Gene: LTBP4 (latent transforming growth factor beta binding protein 4; plus strand). Cytogenetic location: 19q13.2.
Variant type: single nucleotide variant.
Coding change: c.4472G>A on transcript NM_001042545.2 (MANE Select); coding-DNA position 4472, G replaced by A.
Protein change: p.Arg1491His; replaces arginine 1491 with histidine.
Molecular consequence: missense variant.
Genome position (GRCh38, 1-based): chr19:40,627,810, G>A. VCF-style: chr19-40627810-G-A. GRCh37 (hg19) VCF-style: chr19-41133715-G-A.
Other names: c.4673G>A, p.Arg1558His (NM_001042544.1); c.4562G>A, p.Arg1521His (NM_003573.2); short protein forms R1491H, R1521H, R1558H.
Identifiers: ClinVar variation 3363698 (VCV003363698.1).

ClinVar aggregate classification (germline): Uncertain significance (1 of 4 stars; one submission).

gnomAD v4.1: 50 of 1,572,444 alleles (0.0032%); highest among the groups gnomAD compares: Non-Finnish European, 0.0042%; no homozygotes.

Submission:

GeneDx
Classification: Uncertain significance. Last evaluated: 2023-11-09. Review status: criteria provided, single submitter. Criteria: GeneDx Variant Classification Process June 2021. Collection method: clinical testing. Allele origin: germline. Affected: yes.
Comment: Not observed at significant frequency in large population cohorts (gnomAD); In silico analysis supports that this missense variant has a deleterious effect on protein structure/function; Has not been previously published as pathogenic or benign to our knowledge